The following is an entry in ClinVar:

ClinVar aggregate classification (germline): Uncertain significance (1 of 4 stars; one submission).

Conditions:
Hereditary cancer-predisposing syndrome. Also called: Tumor predisposition; Hereditary neoplastic syndrome; Hereditary Cancer Syndrome; Neoplastic Syndromes, Hereditary. Identifiers: Orphanet 140162, MedGen C0027672, MeSH D009386, MONDO:0015356.

Submission:

Ambry Genetics
Classification: Uncertain significance for Hereditary cancer-predisposing syndrome. Last evaluated: 2025-05-02. Review status: criteria provided, single submitter. Criteria: Ambry Variant Classification Scheme 2023. Collection method: clinical testing. Allele origin: germline.
Comment: The p.I860T variant (also known as c.2579T>C), located in coding exon 16 of the RAD50 gene, results from a T to C substitution at nucleotide position 2579. The isoleucine at codon 860 is replaced by threonine, an amino acid with similar properties. This amino acid position is conserved. In addition, the in silico prediction for this alteration is inconclusive. Based on the available evidence, the clinical significance of this variant remains unclear.

NM_005732.4(RAD50):c.2579T>C (p.Ile860Thr)

Gene: RAD50 (RAD50 double strand break repair protein; plus strand). Cytogenetic location: 5q31.1.
Variant type: single nucleotide variant.
Coding change: c.2579T>C on transcript NM_005732.4 (MANE Select); coding-DNA position 2579, T replaced by C.
Protein change: p.Ile860Thr; replaces isoleucine 860 with threonine.
Molecular consequence: missense variant.
Genome position (GRCh38, 1-based): chr5:132,604,860, T>C. VCF-style: chr5-132604860-T-C. GRCh37 (hg19) VCF-style: chr5-131940552-T-C.
Other names: short protein forms I860T.
Identifiers: ClinVar variation 3942184 (VCV003942184.1).